The following is an entry in ClinVar:

ClinVar aggregate classification (germline): Uncertain significance. Review status: criteria provided, multiple submitters, no conflicts (2 of 4 stars). 2 submissions from 2 submitters: Uncertain significance (2). Last evaluated 2025-05-19.

Conditions:
Pyogenic arthritis-pyoderma gangrenosum-acne syndrome (PAPA). Also called: FAMILIAL RECURRENT ARTHRITIS; PAPA SYNDROME. Identifiers: Orphanet 69126, MedGen C1858361, MONDO:0011462, OMIM 604416.

Allele frequency attached by ClinVar (database versions not stated): gnomAD exomes below 0.00001; gnomAD 0.00001.
gnomAD v4.1: 3 of 1,612,976 alleles (0.00019%); highest among the groups gnomAD compares: Non-Finnish European, 0.00025%; no homozygotes.

Submissions (2):

Labcorp Genetics (formerly Invitae), Labcorp
Classification: Uncertain significance for Pyogenic arthritis-pyoderma gangrenosum-acne syndrome. Last evaluated: 2025-05-19. Review status: criteria provided, single submitter. Criteria: Invitae Variant Classification Sherloc (09022015). Collection method: clinical testing. Allele origin: germline.
Comment: This sequence change replaces histidine, which is basic and polar, with tyrosine, which is neutral and polar, at codon 234 of the PSTPIP1 protein (p.His234Tyr). This variant is not present in population databases (gnomAD no frequency). This variant has not been reported in the literature in individuals affected with PSTPIP1-related conditions. ClinVar contains an entry for this variant (Variation ID: 2979542). Invitae Evidence Modeling of protein sequence and biophysical properties (such as structural, functional, and spatial information, amino acid conservation, physicochemical variation, residue mobility, and thermodynamic stability) indicates that this missense variant is not expected to disrupt PSTPIP1 protein function with a negative predictive value of 80%. In summary, the available evidence is currently insufficient to determine the role of this variant in disease. Therefore, it has been classified as a Variant of Uncertain Significance.

Dasa
Classification: Uncertain significance. Last evaluated: 2024-08-04. Review status: criteria provided, single submitter. Criteria: DASA Assertion Criteria. Collection method: clinical testing. Allele origin: germline.
Comment: NM_003978.5(PSTPIP1):c.700C>T (p.His234Tyr) is a missense variant that results in the substitution of histidine with tyrosine. This variant is rare in population databases. The currently available literature and clinical evidence are not sufficient to establish a definitive association between this variant and the reported condition. Therefore, this variant is classified as a variant of uncertain significance.

NM_003978.5(PSTPIP1):c.700C>T (p.His234Tyr)

Gene: PSTPIP1 (proline-serine-threonine phosphatase interacting protein 1; plus strand). Cytogenetic location: 15q24.3.
Variant type: single nucleotide variant.
Coding change: c.700C>T on transcript NM_003978.5 (MANE Select); coding-DNA position 700, C replaced by T.
Protein change: p.His234Tyr; replaces histidine 234 with tyrosine.
Molecular consequence: missense variant. On other transcripts: non-coding transcript variant (1).
Genome position (GRCh38, 1-based): chr15:77,031,237, C>T. VCF-style: chr15-77031237-C-T. GRCh37 (hg19) VCF-style: chr15-77323578-C-T.
Other names: c.700C>T, p.His234Tyr (NM_001321135.2, NM_001411086.1); c.673C>T, p.His225Tyr (NM_001321136.2); c.895C>T, p.His299Tyr (NM_001321137.1); short protein forms H225Y, H299Y, H234Y.
Identifiers: ClinVar variation 2979542 (VCV002979542.5), dbSNP rs1596123432, ClinGen allele CA393520925.